The following is an entry in ClinVar:

ClinVar aggregate classification (germline): Uncertain significance (1 of 4 stars; one submission).

Allele frequency attached by ClinVar (database versions not stated): gnomAD exomes 0.00001; ExAC 0.00002.
gnomAD v4.1: 12 of 1,607,500 alleles (0.00075%); highest among the groups gnomAD compares: South Asian, 0.0088%; no homozygotes.

Submission:

Labcorp Genetics (formerly Invitae), Labcorp
Classification: Uncertain significance. Last evaluated: 2023-05-03. Review status: criteria provided, single submitter. Criteria: Invitae Variant Classification Sherloc (09022015). Collection method: clinical testing. Allele origin: germline.
Comment: In summary, the available evidence is currently insufficient to determine the role of this variant in disease. Therefore, it has been classified as a Variant of Uncertain Significance. Advanced modeling of protein sequence and biophysical properties (such as structural, functional, and spatial information, amino acid conservation, physicochemical variation, residue mobility, and thermodynamic stability) performed at Invitae indicates that this missense variant is not expected to disrupt OPA1 protein function. This variant has not been reported in the literature in individuals affected with OPA1-related conditions. This variant is present in population databases (rs768115265, gnomAD 0.006%). This sequence change replaces aspartic acid, which is acidic and polar, with valine, which is neutral and non-polar, at codon 916 of the OPA1 protein (p.Asp916Val).

NM_130837.3(OPA1):c.2912A>T (p.Asp971Val)

Gene: OPA1 (OPA1 mitochondrial dynamin like GTPase; plus strand). Cytogenetic location: 3q29.
Variant type: single nucleotide variant.
Coding change: c.2912A>T on transcript NM_130837.3 (MANE Select); coding-DNA position 2912, A replaced by T.
Protein change: p.Asp971Val; replaces aspartic acid 971 with valine.
Molecular consequence: missense variant.
Genome position (GRCh38, 1-based): chr3:193,667,209, A>T. VCF-style: chr3-193667209-A-T. GRCh37 (hg19) VCF-style: chr3-193384998-A-T.
Other names: c.2378A>T, p.Asp793Val (NM_001354663.2); c.2375A>T, p.Asp792Val (NM_001354664.2); c.2747A>T, p.Asp916Val (NM_015560.3); c.2639A>T, p.Asp880Val (NM_130831.3); c.2693A>T, p.Asp898Val (NM_130832.3); c.2750A>T, p.Asp917Val (NM_130833.3); c.2801A>T, p.Asp934Val (NM_130834.3); c.2804A>T, p.Asp935Val (NM_130835.3); and 1 more; short protein forms D793V, D898V, D971V, D880V, D935V, D916V, D917V, D953V.
Identifiers: ClinVar variation 2985672 (VCV002985672.3), dbSNP rs768115265, ClinGen allele CA2759781.